The following is an entry in ClinVar:

ClinVar aggregate classification (germline): Uncertain significance (1 of 4 stars; one submission).

Conditions:
HIVEP2-related disorder. Also called: HIVEP2-related condition.

gnomAD v4.1: 1 of 1,614,134 alleles (0.000062%); highest among the groups gnomAD compares: Non-Finnish European, 0.000085%; no homozygotes.

Submission:

PreventionGenetics, part of Exact Sciences
Classification: Uncertain significance for HIVEP2-related condition. Last evaluated: 2026-04-26. Review status: criteria provided, single submitter. Criteria: ACMG Guidelines, 2015. Collection method: clinical testing. Allele origin: germline.
Comment: The HIVEP2 c.6941G>A variant is predicted to result in the amino acid substitution p.Ser2314Asn. To our knowledge, this variant has not been reported in the literature or in a large population database (gnomAD), indicating this variant is rare. At this time, the clinical significance of this variant is uncertain due to the absence of conclusive functional and genetic evidence.

NM_006734.4(HIVEP2):c.6941G>A (p.Ser2314Asn)

Gene: HIVEP2 (HIVEP zinc finger 2; minus strand). Cytogenetic location: 6q24.2.
Variant type: single nucleotide variant.
Coding change: c.6941G>A on transcript NM_006734.4 (MANE Select); coding-DNA position 6941, G replaced by A.
Protein change: p.Ser2314Asn; replaces serine 2314 with asparagine.
Molecular consequence: missense variant.
Genome position (GRCh38, 1-based): chr6:142,753,507, C>T on the plus strand (G>A on the coding strand, the complement: HIVEP2 is on the minus strand). VCF-style: chr6-142753507-C-T. GRCh37 (hg19) VCF-style: chr6-143074644-C-T.
Other names: c.6941G>A, p.Ser2314Asn (NM_001438449.1, NM_001438450.1, NM_001438451.1); short protein forms S2314N.
Identifiers: ClinVar variation 4992419 (VCV004992419.1).